The following is an entry in ClinVar:

ClinVar aggregate classification (germline): Uncertain significance (1 of 4 stars; one submission).

gnomAD v4.1: 8 of 1,606,302 alleles (0.0005%); highest among the groups gnomAD compares: Non-Finnish European, 0.00051%; no homozygotes.

Submission:

Labcorp Genetics (formerly Invitae), Labcorp
Classification: Uncertain significance. Last evaluated: 2025-10-02. Review status: criteria provided, single submitter. Criteria: Invitae Variant Classification Sherloc (09022015). Collection method: clinical testing. Allele origin: germline.
Comment: This sequence change replaces threonine, which is neutral and polar, with serine, which is neutral and polar, at codon 336 of the CNOT3 protein (p.Thr336Ser). This variant is present in population databases (no rsID available, gnomAD 0.03%). This variant has not been reported in the literature in individuals affected with CNOT3-related conditions. ClinVar contains an entry for this variant (Variation ID: 2052362). An algorithm developed to predict the effect of missense changes on protein structure and function outputs the following: PolyPhen-2: "Benign". The serine amino acid residue is found in multiple mammalian species, which suggests that this missense change does not adversely affect protein function. In summary, the available evidence is currently insufficient to determine the role of this variant in disease. Therefore, it has been classified as a Variant of Uncertain Significance.

NM_014516.4(CNOT3):c.1007C>G (p.Thr336Ser)

Gene: CNOT3 (CCR4-NOT transcription complex subunit 3; plus strand). Cytogenetic location: 19q13.42.
Variant type: single nucleotide variant.
Coding change: c.1007C>G on transcript NM_014516.4 (MANE Select); coding-DNA position 1007, C replaced by G.
Protein change: p.Thr336Ser; replaces threonine 336 with serine.
Molecular consequence: missense variant.
Genome position (GRCh38, 1-based): chr19:54,148,260, C>G. VCF-style: chr19-54148260-C-G. GRCh37 (hg19) VCF-style: chr19-54651995-C-G.
Other names: short protein forms T336S.
Identifiers: ClinVar variation 2052362 (VCV002052362.4), dbSNP rs759407723, ClinGen allele CA407763420.
Genomic context (GRCh38, chr19:54,148,260, plus strand): 5'-CCCCAGCTGTGCCGCCCACCTACCCCTCCGGCCCCCCGCCTGCTGCCTCTGCCTTGAGCA[C>G]CACTCCTGGCAACAATGGGGTCCCCGCCCCCGCAGCACCCCCAAGTGCCCTGGGCCCCAA-3'
Protein context (NP_055331.1, residues 326-346): GPPPAASALS[Thr336Ser]TPGNNGVPAP